The following is an entry in ClinVar:

NM_001127511.3(APC):c.-93G>C

Gene: APC (APC regulator of Wnt signaling pathway; plus strand). Cytogenetic location: 5q22.2.
Variant type: single nucleotide variant.
Coding change: c.-93G>C on transcript NM_001127511.3; 93 bases upstream of the start codon, G replaced by C.
Molecular consequence: 5 prime UTR variant. On other transcripts: non-coding transcript variant (2), genic upstream transcript variant (1).
Genome position (GRCh38, 1-based): chr5:112,707,625, G>C. VCF-style: chr5-112707625-G-C. GRCh37 (hg19) VCF-style: chr5-112043322-G-C.
Other names: c.-276G>C (NM_001354895.2, NM_001407447.1, NM_001407452.1 and 3 more transcripts); c.-93G>C (NM_001354897.2, NM_001354902.2, NM_001407446.1); c.-43G>C (NM_001407448.1, NM_001407450.1, NM_001407457.1 and 1 more transcripts); c.-67G>C (NM_001407453.1); c.-1311G>C (NM_001407470.1, NM_001407472.1); c.-30319G>C (NM_000038.6).
Identifiers: ClinVar variation 2102766 (VCV002102766.5), dbSNP rs1327488238, ClinGen allele CA2580072307.

ClinVar aggregate classification (germline): Uncertain significance. Review status: criteria provided, multiple submitters, no conflicts (2 of 4 stars). 2 submissions from 2 submitters: Uncertain significance (2). Last evaluated 2025-10-01.

Conditions:
Colorectal cancer. Also called: Colorectal cancer, somatic; Malignant Colorectal Neoplasm. Identifiers: MedGen C0346629, MONDO:0005575, OMIM 114500.
Desmoid disease, hereditary (DESMD). Also called: FIBROMATOSIS, FAMILIAL INFILTRATIVE. Identifiers: Orphanet 873, MedGen C1851124, OMIM 135290. Disease mechanism: loss of function.
Familial adenomatous polyposis 1 (FAP1). Also called: FAMILIAL ADENOMATOUS POLYPOSIS 1, ATTENUATED; POLYPOSIS, ADENOMATOUS INTESTINAL. Identifiers: MedGen C2713442, MONDO:0021056, OMIM 175100. Disease mechanism: loss of function.
Gastric adenocarcinoma and proximal polyposis of the stomach (GAPPS). Also called: Polyposis, gastric, Dos Santos and de Magalhaes 1980; POLYPOSIS, GASTRIC; Gastric Adenocarcinoma and Proximal Polyposis of the Stomach (GAPPS). Identifiers: Orphanet 314022, MedGen C4749917, MONDO:0017790, OMIM 619182.
Gastric cancer. Also called: Malignant tumor of stomach; Stomach cancer. Identifiers: MedGen C0024623, MeSH D013274, MONDO:0001056, OMIM 613659, HP:0012126.
Hepatocellular carcinoma (HCC). Also called: Primary carcinoma of liver; HEPATOMA; LIVER CELL CARCINOMA. Identifiers: Orphanet 88673, MedGen C2239176, MONDO:0007256, OMIM 114550, HP:0001402.

Submissions (2):

Labcorp Genetics (formerly Invitae), Labcorp
Classification: Uncertain significance for Familial adenomatous polyposis 1. Last evaluated: 2025-10-01. Review status: criteria provided, single submitter. Criteria: Invitae Variant Classification Sherloc (09022015). Collection method: clinical testing. Allele origin: germline.
Comment: This variant occurs in a non-coding region of the APC gene. It does not change the encoded amino acid sequence of the APC protein. This variant is not present in population databases (gnomAD no frequency). This variant has not been reported in the literature in individuals affected with APC-related conditions. Experimental studies and prediction algorithms are not available or were not evaluated, and the functional significance of this variant is currently unknown. In summary, the available evidence is currently insufficient to determine the role of this variant in disease. Therefore, it has been classified as a Variant of Uncertain Significance.

Fulgent Genetics
Classification: Uncertain significance for Colorectal cancer; Hepatocellular carcinoma; Desmoid disease, hereditary; Familial adenomatous polyposis 1; Gastric cancer; Gastric adenocarcinoma and proximal polyposis of the stomach. Last evaluated: 2024-03-26. Review status: criteria provided, single submitter. Criteria: ACMG Guidelines, 2015. Collection method: clinical testing. Allele origin: germline.